The following is an entry in ClinVar:

NM_012213.3(MLYCD):c.529-20A>G

Gene: MLYCD (malonyl-CoA decarboxylase; plus strand). Cytogenetic location: 16q23.3.
Variant type: single nucleotide variant.
Coding change: c.529-20A>G on transcript NM_012213.3 (MANE Select); 20 bases into the intron before coding-DNA position 529, A replaced by G.
Molecular consequence: intron variant.
Genome position (GRCh38, 1-based): chr16:83,906,967, A>G. VCF-style: chr16-83906967-A-G. GRCh37 (hg19) VCF-style: chr16-83940572-A-G.
Identifiers: ClinVar variation 506769 (VCV000506769.1), dbSNP rs1555538216, ClinGen allele CA658798643.

ClinVar aggregate classification (germline): Likely benign (1 of 4 stars; one submission).

gnomAD v4.1: 1 of 1,606,338 alleles (0.000062%); highest among the groups gnomAD compares: Non-Finnish European, 0.000085%; no homozygotes.

Submission:

GeneDx
Classification: Likely benign. Last evaluated: 2017-01-23. Review status: criteria provided, single submitter. Criteria: GeneDx Variant Classification (06012015). Collection method: clinical testing. Allele origin: germline. Affected: yes.
Comment: This variant is considered likely benign or benign based on one or more of the following criteria: it is a conservative change, it occurs at a poorly conserved position in the protein, it is predicted to be benign by multiple in silico algorithms, and/or has population frequency not consistent with disease.